The following is an entry in ClinVar:

NM_005228.5(EGFR):c.2058G>C (p.Arg686Ser)

Gene: EGFR (epidermal growth factor receptor; plus strand). Cytogenetic location: 7p11.2.
Variant type: single nucleotide variant.
Coding change: c.2058G>C on transcript NM_005228.5 (MANE Select); coding-DNA position 2058, G replaced by C.
Protein change: p.Arg686Ser; replaces arginine 686 with serine.
Molecular consequence: missense variant.
Genome position (GRCh38, 1-based): chr7:55,173,121, G>C. VCF-style: chr7-55173121-G-C. GRCh37 (hg19) VCF-style: chr7-55240814-G-C.
Other names: c.1923G>C, p.Arg641Ser (NM_001346897.2, NM_001346899.2); c.2058G>C, p.Arg686Ser (NM_001346898.2); c.1899G>C, p.Arg633Ser (NM_001346900.2); c.1257G>C, p.Arg419Ser (NM_001346941.2); short protein forms R419S, R633S, R641S, R686S.
Identifiers: ClinVar variation 4016741 (VCV004016741.1).
Genomic context (GRCh38, chr7:55,173,121, plus strand): 5'-CTTCATGCGAAGGCGCCACATCGTTCGGAAGCGCACGCTGCGGAGGCTGCTGCAGGAGAG[G>C]GAGGTGAGTGCCAGTCCTGGGTGGGCTCAGGAGCCCTCGCACCCCGACAGGAACAAGGGC-3'
Protein context (NP_005219.2, residues 676-696): KRTLRRLLQE[Arg686Ser]ELVEPLTPSG

ClinVar aggregate classification (germline): Uncertain significance (1 of 4 stars; one submission).

Conditions:
Hereditary cancer-predisposing syndrome. Also called: Tumor predisposition; Hereditary neoplastic syndrome; Neoplastic Syndromes, Hereditary; Hereditary Cancer Syndrome. Identifiers: Orphanet 140162, MedGen C0027672, MeSH D009386, MONDO:0015356.

Submission:

Ambry Genetics
Classification: Uncertain significance for Hereditary cancer-predisposing syndrome. Last evaluated: 2025-04-13. Review status: criteria provided, single submitter. Criteria: Ambry Variant Classification Scheme 2023. Collection method: clinical testing. Allele origin: germline.
Comment: The p.R686S variant (also known as c.2058G>C), located in coding exon 17 of the EGFR gene, results from a G to C substitution at nucleotide position 2058. The arginine at codon 686 is replaced by serine, an amino acid with dissimilar properties. This amino acid position is conserved. In addition, the in silico prediction for this alteration is inconclusive. Based on the available evidence, the clinical significance of this variant remains unclear.